The following is an entry in ClinVar:

NM_017780.4(CHD7):c.495_500del (p.164QP[2])

Gene: CHD7 (chromodomain helicase DNA binding protein 7; plus strand). Cytogenetic location: 8q12.2.
Variant type: Deletion.
Coding change: c.495_500del on transcript NM_017780.4 (MANE Select); coding-DNA positions 495 to 500, 6 bases deleted (ACAGCC; older notation c.495_500delACAGCC).
Protein change: p.164QP[2].
Molecular consequence: inframe deletion.
Genome position (GRCh38, 1-based): chr8:60,741,927-60,741,932, ACAGCC deleted; deleting any 6 consecutive bases within chr8:60,741,922-60,741,932 gives the same sequence; the c. name uses the placement nearest the transcript's 3' end. VCF-style (leftmost placement, unchanged base first): chr8-60741921-GCAGCCA-G. GRCh37 (hg19) VCF-style: chr8-61654480-GCAGCCA-G.
Other names: c.495_500del, p.164QP[2] (NM_001316690.1).
Identifiers: ClinVar variation 3604264 (VCV003604264.2).

ClinVar aggregate classification (germline): Uncertain significance (1 of 4 stars; one submission).

Conditions:
CHARGE syndrome (CHARGE). Also called: Hittner Hirsch Kreh syndrome; CHARGE ASSOCIATION--COLOBOMA, HEART ANOMALY, CHOANAL ATRESIA, RETARDATION, GENITAL AND EAR ANOMALIES; Coloboma, heart anomaly, choanal atresia, retardation, genital and ear anomalies; CHARGE association; Hall-Hittner syndrome. Identifiers: Orphanet 138, MedGen C0265354, MONDO:0008965.

Submission:

Labcorp Genetics (formerly Invitae), Labcorp
Classification: Uncertain significance for CHARGE syndrome. Last evaluated: 2024-08-28. Review status: criteria provided, single submitter. Criteria: Invitae Variant Classification Sherloc (09022015). Collection method: clinical testing. Allele origin: germline.
Comment: This variant, c.495_500del, results in the deletion of 2 amino acid(s) of the CHD7 protein (p.Gln168_Pro169del), but otherwise preserves the integrity of the reading frame. This variant is not present in population databases (gnomAD no frequency). This variant has not been reported in the literature in individuals affected with CHD7-related conditions. Experimental studies and prediction algorithms are not available or were not evaluated, and the functional significance of this variant is currently unknown. In summary, the available evidence is currently insufficient to determine the role of this variant in disease. Therefore, it has been classified as a Variant of Uncertain Significance.